The following is an entry in ClinVar:

NM_020971.3(SPTBN4):c.7117C>A (p.Arg2373=)

Genes: SPTBN4 (spectrin beta, non-erythrocytic 4; plus strand), LOC130064467 (ATAC-STARR-seq lymphoblastoid silent region 10632; plus strand). Cytogenetic location: 19q13.2.
Variant type: single nucleotide variant.
Coding change: c.7117C>A on transcript NM_020971.3 (MANE Select); coding-DNA position 7117, C replaced by A.
Protein change: p.Arg2373=; no amino-acid change (arginine 2373 retained).
Molecular consequence: synonymous variant.
Genome position (GRCh38, 1-based): chr19:40,570,526, C>A. VCF-style: chr19-40570526-C-A. GRCh37 (hg19) VCF-style: chr19-41076432-C-A.
Identifiers: ClinVar variation 3352633 (VCV003352633.1).

ClinVar aggregate classification (germline): Likely benign (0 of 4 stars; one submission).

Conditions:
SPTBN4-related disorder. Also called: SPTBN4-related condition.

gnomAD v4.1: 1 of 1,456,754 alleles (0.000069%); highest among the groups gnomAD compares: Non-Finnish European, 0.00009%; no homozygotes.

Submission:

PreventionGenetics, part of Exact Sciences
Classification: Likely benign for SPTBN4-related condition. Last evaluated: 2024-09-03. Review status: no assertion criteria provided. Collection method: clinical testing. Allele origin: germline.
Comment: This variant is classified as likely benign based on ACMG/AMP sequence variant interpretation guidelines (Richards et al. 2015 PMID: 25741868, with internal and published modifications).